The following is an entry in ClinVar:

ClinVar aggregate classification (germline): Uncertain significance (1 of 4 stars; one submission).

Conditions:
Cardiovascular phenotype. Identifiers: MedGen CN230736.

Submission:

Ambry Genetics
Classification: Uncertain significance for Cardiovascular phenotype. Last evaluated: 2026-04-16. Review status: criteria provided, single submitter. Criteria: Ambry Variant Classification Scheme 2023. Collection method: clinical testing. Allele origin: germline.
Comment: The c.370_375delCAAGTG variant (also known as p.Q124_V125del) is located in coding exon 3 of the TTN gene. This variant results from an in-frame CAAGTG deletion at nucleotide positions 370 to 375. This results in the in-frame deletion of glutamine and valine at codons 124 and 125, respectively. This amino acid region ranges from not well conserved to highly conserved in available vertebrate species. In addition, this variant is predicted to be deleterious by in silico analysis (Choi Y et al. PLoS ONE. 2012; 7(10):e46688). Based on the available evidence, the clinical significance of this variant remains unclear.

NM_001267550.2(TTN):c.370_375del (p.Gln124_Val125del)

Gene: TTN (titin; minus strand). Cytogenetic location: 2q31.2.
Variant type: Deletion.
Coding change: c.370_375del on transcript NM_001267550.2 (MANE Select); coding-DNA positions 370 to 375, 6 bases deleted (CAAGTG; older notation c.370_375delCAAGTG).
Protein change: p.Gln124_Val125del.
Molecular consequence: inframe deletion.
Genome position (GRCh38, 1-based): chr2:178,800,603-178,800,608, CACTTG deleted on the plus strand (CAAGTG on the coding strand, the reverse complement: TTN is on the minus strand). VCF-style (leftmost placement, unchanged base first): chr2-178800602-TCACTTG-T. GRCh37 (hg19) VCF-style: chr2-179665329-TCACTTG-T.
Other names: c.370_375del, p.Gln124_Val125del (NM_001256850.1, NM_003319.4, NM_133378.4 and 3 more transcripts); c.370_375delCAAGTG (NM_003319.4).
Identifiers: ClinVar variation 4866200 (VCV004866200.1).